The following is an entry in ClinVar:

NM_001204.7(BMPR2):c.2485A>T (p.Thr829Ser)

Gene: BMPR2 (bone morphogenetic protein receptor type 2; plus strand). Cytogenetic location: 2q33.2.
Variant type: single nucleotide variant.
Coding change: c.2485A>T on transcript NM_001204.7 (MANE Select); coding-DNA position 2485, A replaced by T.
Protein change: p.Thr829Ser; replaces threonine 829 with serine.
Molecular consequence: missense variant.
Genome position (GRCh38, 1-based): chr2:202,556,150, A>T. VCF-style: chr2-202556150-A-T. GRCh37 (hg19) VCF-style: chr2-203420873-A-T.
Other names: short protein forms T829S.
Identifiers: ClinVar variation 3992121 (VCV003992121.1).

ClinVar aggregate classification (germline): Uncertain significance (1 of 4 stars; one submission).

Conditions:
Inborn genetic diseases. Identifiers: MedGen C0950123, MeSH D030342.

Submission:

Ambry Genetics
Classification: Uncertain significance for Inborn genetic diseases. Last evaluated: 2025-04-13. Review status: criteria provided, single submitter. Criteria: Ambry Variant Classification Scheme 2023. Collection method: clinical testing. Allele origin: germline.
Comment: The p.T829S variant (also known as c.2485A>T), located in coding exon 12 of the BMPR2 gene, results from an A to T substitution at nucleotide position 2485. The threonine at codon 829 is replaced by serine, an amino acid with similar properties. This amino acid position is conserved. In addition, this alteration is predicted to be tolerated by in silico analysis. Based on the available evidence, the clinical significance of this variant remains unclear.